The following is an entry in ClinVar:

ClinVar aggregate classification (germline): Uncertain significance (1 of 4 stars; one submission).

Conditions:
Spondylocarpotarsal synostosis syndrome (SCT). Also called: SPONDYLOCARPOTARSAL SYNDROME; VERTEBRAL FUSION WITH CARPAL COALITION; Spondylocarpotarsal Synostosis Syndrome (FLNB-SCT); Synspondylism congenital; Scoliosis, congenital with unilateral unsegmented bar. Identifiers: Orphanet 3275, MedGen C1848934, MONDO:0010094, OMIM 272460.
Boomerang dysplasia. Identifiers: Orphanet 1263, MedGen C0432201, MONDO:0007208, OMIM 112310.
Atelosteogenesis type I. Also called: SPONDYLOHUMEROFEMORAL HYPOPLASIA; GIANT CELL CHONDRODYSPLASIA; Atelosteogenesis Type 1 (FLNB-AO1). Identifiers: Orphanet 1190, MedGen C0265283, MONDO:0007167, OMIM 108720.
Atelosteogenesis type III. Also called: Atelosteogenesis Type 3 (FLNB-AO3). Identifiers: Orphanet 56305, MedGen C3668942, MONDO:0007168, OMIM 108721.
Larsen syndrome (LRS). Also called: Larsen syndrome (FLNB-LS); Bilateral dislocation of the knees, pes cavus, cylindrically shaped fingers and characteristic facies. Identifiers: Orphanet 503, MedGen C0175778, MONDO:0007875, OMIM 150250. Disease mechanism: loss of function.

Submission:

Juno Genomics, Hangzhou Juno Genomics, Inc
Classification: Uncertain significance for Atelosteogenesis type I; Atelosteogenesis type III; Boomerang dysplasia; Larsen syndrome; Spondylocarpotarsal synostosis syndrome. Review status: criteria provided, single submitter. Criteria: ACMG Guidelines, 2015. Collection method: clinical testing. Allele origin: germline.
Comment: Absent from controls (or at extremely low frequency if recessive) in Genome Aggregation Database.;Missense variant in a gene that has a low rate of benign missense variation.;Multiple lines of computational evidence support a deleterious effect on the gene or gene product.

NM_001457.4(FLNB):c.778T>C (p.Tyr260His)

Gene: FLNB (filamin B; plus strand). Cytogenetic location: 3p14.3.
Variant type: single nucleotide variant.
Coding change: c.778T>C on transcript NM_001457.4 (MANE Select); coding-DNA position 778, T replaced by C.
Protein change: p.Tyr260His; replaces tyrosine 260 with histidine.
Molecular consequence: missense variant.
Genome position (GRCh38, 1-based): chr3:58,081,767, T>C. VCF-style: chr3-58081767-T-C. GRCh37 (hg19) VCF-style: chr3-58067494-T-C.
Other names: c.778T>C, p.Tyr260His (NM_001164317.2, NM_001164318.2, NM_001164319.2); short protein forms Y260H.
Identifiers: ClinVar variation 5006674 (VCV005006674.2).
Genomic context (GRCh38, chr3:58,081,767, plus strand): 5'-GCCAAGCTCAAGCCGGGGGCTCCTCTCAAACCCAAACTCAACCCGAAGAAAGCCAGGGCC[T>C]ATGGCAGAGGTGAGTGCTGGTCCTCTGGTGTTGTATTGGAGACATGTCCTCTGGTGTTGG-3'
Protein context (NP_001448.2, residues 250-270): PKLNPKKARA[Tyr260His]GRGIEPTGNM